The following is an entry in ClinVar:

NM_005996.4(TBX3):c.*1A>C

Gene: TBX3 (T-box transcription factor 3; minus strand). Cytogenetic location: 12q24.21.
Variant type: single nucleotide variant.
Coding change: c.*1A>C on transcript NM_005996.4 (MANE Select); 1 bases downstream of the stop codon, A replaced by C.
Molecular consequence: 3 prime UTR variant.
Genome position (GRCh38, 1-based): chr12:114,671,840, T>G on the plus strand (A>C on the coding strand, the complement: TBX3 is on the minus strand). VCF-style: chr12-114671840-T-G. GRCh37 (hg19) VCF-style: chr12-115109645-T-G.
Other names: c.*1A>C (NM_016569.4).
Identifiers: ClinVar variation 3037924 (VCV003037924.3), dbSNP rs377540130, ClinGen allele CA6809767.

ClinVar aggregate classification (germline): Likely benign. Review status: criteria provided, single submitter (1 of 4 stars). 2 submissions from 2 submitters: Likely benign (1). 1 of the submissions does not count toward it. Last evaluated 2022-09-30.

Conditions:
TBX3-related disorder. Also called: TBX3-related condition.

Allele frequency attached by ClinVar (database versions not stated): gnomAD exomes 0.00006; 1000 Genomes Project 0.00020; 1000 Genomes Project 30x 0.00031; ExAC 0.00070; gnomAD 0.00081; TOPMed 0.00087; ESP Exome Variant Server 0.00101.

Submissions (2):

Blueprint Genetics
Classification: Likely benign. Last evaluated: 2022-09-30. Review status: criteria provided, single submitter. Criteria: ACMG Guidelines, 2015. Collection method: clinical testing. Allele origin: germline.

PreventionGenetics, part of Exact Sciences
Classification: Likely benign for TBX3-related condition. Last evaluated: 2022-02-11. Review status: no assertion criteria provided. Collection method: clinical testing. Allele origin: germline. Not counted in ClinVar's aggregate classification.
Comment: This variant is classified as likely benign based on ACMG/AMP sequence variant interpretation guidelines (Richards et al. 2015 PMID: 25741868, with internal and published modifications).